The following is an entry in ClinVar:

ClinVar aggregate classification (germline): Likely pathogenic (1 of 4 stars; one submission).

Conditions:
Oculofaciocardiodental syndrome (MCOPS2). Identifiers: Orphanet 2712, MedGen C1846265, MONDO:0010261, OMIM 300166.

Submission:

3billion
Classification: Likely pathogenic for Oculofaciocardiodental syndrome. Last evaluated: 2023-02-23. Review status: criteria provided, single submitter. Criteria: ACMG Guidelines, 2015. Collection method: clinical testing. Allele origin: unknown. Affected: yes.
Comment: The variant is not observed in the gnomAD v2.1.1 dataset. This variant was predicted to result in a loss or disruption of normal protein function through nonsense-mediated decay (NMD) or protein truncation. Multiple pathogenic variants are reported downstream of the variant. Therefore, this variant is classified as Likely pathogenic according to the recommendation of ACMG/AMP guideline.

NM_001123385.2(BCOR):c.3888_3889del (p.Ser1297fs)

Gene: BCOR (BCL6 corepressor; minus strand). Cytogenetic location: Xp11.4.
Variant type: Deletion.
Coding change: c.3888_3889del on transcript NM_001123385.2 (MANE Select); coding-DNA positions 3888 to 3889, 2 bases deleted (TT; older notation c.3888_3889delTT).
Protein change: p.Ser1297fs; shifts the reading frame from serine 1297.
Molecular consequence: frameshift variant.
Genome position (GRCh38, 1-based): chrX:40,063,030-40,063,031, AA deleted on the plus strand (TT on the coding strand, the reverse complement: BCOR is on the minus strand); deleting any 2 consecutive bases within chrX:40,063,030-40,063,032 gives the same sequence; the c. name uses the placement nearest the transcript's 3' end. VCF-style (leftmost placement, unchanged base first): chrX-40063029-GAA-G. GRCh37 (hg19) VCF-style: chrX-39922282-GAA-G.
Other names: c.3785_3786delTT, p.Ser1263Ilefs (NM_001123383.2); c.3732_3733del, p.Ser1245fs (NM_001123384.2); c.3786_3787del, p.Ser1263fs (NM_017745.6); short protein forms S1245fs, S1263fs, S1297fs.
Identifiers: ClinVar variation 2444306 (VCV002444306.1), dbSNP rs2519607953, ClinGen allele CA2580100897.